The following is an entry in ClinVar:

NM_000237.3(LPL):c.*9G>A

Gene: LPL (lipoprotein lipase; plus strand). Cytogenetic location: 8p21.3.
Variant type: single nucleotide variant.
Coding change: c.*9G>A on transcript NM_000237.3 (MANE Select); 9 bases downstream of the stop codon, G replaced by A.
Molecular consequence: 3 prime UTR variant.
Genome position (GRCh38, 1-based): chr8:19,965,319, G>A. VCF-style: chr8-19965319-G-A. GRCh37 (hg19) VCF-style: chr8-19822830-G-A.
Identifiers: ClinVar variation 362417 (VCV000362417.11), dbSNP rs4922115, ClinGen allele CA4655764.

ClinVar aggregate classification (germline): Benign/Likely benign. Review status: criteria provided, multiple submitters, no conflicts (2 of 4 stars). 7 submissions from 7 submitters: Benign (5); Likely benign (1). 1 of the submissions does not count toward it. Last evaluated 2025-04-09.

Conditions:
Dystrophin deficiency.
Hyperlipoproteinemia, type I. Also called: LPL DEFICIENCY; Familial Lipoprotein Lipase Deficiency; HYPERLIPOPROTEINEMIA, TYPE IA; Familial hyperlipo-proteinemia type 1; Hyperlipemia essential familial; Lipase D deficiency. Identifiers: Orphanet 309015, Orphanet 444490, MedGen C0023817, MONDO:0009387, OMIM 238600. Disease mechanism: loss of function.

Allele frequency attached by ClinVar (database versions not stated): 1000 Genomes Project 0.12540; 1000 Genomes Project 30x 0.12570; ESP Exome Variant Server 0.14224; TOPMed 0.14268; gnomAD 0.14355 and 0.14446; ExAC 0.14528; gnomAD exomes 0.14574.
gnomAD v4.1: 114,363 of 779,480 alleles (15%); highest among the groups gnomAD compares: Middle Eastern, 17%; 8,873 homozygotes.

Submissions (7):

Molecular Diagnostic Laboratory for Inherited Cardiovascular Disease, Montreal Heart Institute
Classification: Benign. Last evaluated: 2025-04-09. Review status: criteria provided, single submitter. Criteria: ACMG Guidelines, 2015. Collection method: clinical testing. Allele origin: germline. Affected: no.

Blueprint Genetics
Classification: Likely benign. Last evaluated: 2024-11-27. Review status: criteria provided, single submitter. Criteria: ACMG Guidelines, 2015. Collection method: clinical testing. Allele origin: germline.

GeneDx
Classification: Benign. Last evaluated: 2018-10-04. Review status: criteria provided, single submitter. Criteria: GeneDx Variant Classification Process June 2021. Collection method: clinical testing. Allele origin: germline. Affected: yes.

Illumina Laboratory Services, Illumina
Classification: Benign for Hyperlipoproteinemia, type I. Last evaluated: 2018-01-13. Review status: criteria provided, single submitter. Criteria: ICSL Variant Classification Criteria 13 December 2019. Collection method: clinical testing. Allele origin: germline.
Comment: This variant was observed in the ICSL laboratory as part of a predisposition screen in an ostensibly healthy population. It had not been previously curated by ICSL or reported in the Human Gene Mutation Database (HGMD: prior to June 1st, 2018), and was therefore a candidate for classification through an automated scoring system. Utilizing variant allele frequency, disease prevalence and penetrance estimates, and inheritance mode, an automated score was calculated to assess if this variant is too frequent to cause the disease. Based on the score and internal cut-off values, a variant classified as benign is not then subjected to further curation. The score for this variant resulted in a classification of benign for this disease.

Women's Health and Genetics/Laboratory Corporation of America, LabCorp
Classification: Benign. Last evaluated: 2017-06-08. Review status: criteria provided, single submitter. Criteria: LabCorp Variant Classification Summary - May 2015. Collection method: clinical testing. Allele origin: germline.
Comment: Variant summary: The LPL c.*9G>A variant causes a missense change involving the alteration of a non-conserved nucleotide. One in silico tool predicts a benign outcome for this variant. The variant of interest has been found in a large, broad control population, ExAC in 17618/121272 control chromosomes at a frequency of 0.1452767, which is approximately 43 times the estimated maximal expected allele frequency of a pathogenic LPL variant (0.0033541), suggesting this variant is likely a benign polymorphism. In addition, one clinical diagnostic laboratory classified this variant as likely benign. Taken together, this variant is classified as benign.

Breakthrough Genomics
Classification: Benign. Review status: criteria provided, single submitter. Criteria: ACMG Guidelines, 2015. Collection method: not provided. Allele origin: germline. Inheritance: Autosomal recessive inheritance. Affected: yes.

Natera, Inc.
Classification: Benign for Dystrophin deficiency. Last evaluated: 2020-09-16. Review status: no assertion criteria provided. Collection method: clinical testing. Allele origin: germline. Not counted in ClinVar's aggregate classification.